The following is an entry in ClinVar:

NM_000204.5(CFI):c.1210C>T (p.Leu404Phe)

Gene: CFI (complement factor I; minus strand). Cytogenetic location: 4q25.
Variant type: single nucleotide variant.
Coding change: c.1210C>T on transcript NM_000204.5 (MANE Select); coding-DNA position 1210, C replaced by T.
Protein change: p.Leu404Phe; replaces leucine 404 with phenylalanine.
Molecular consequence: missense variant. On other transcripts: non-coding transcript variant (2).
Genome position (GRCh38, 1-based): chr4:109,746,441, G>A on the plus strand (C>T on the coding strand, the complement: CFI is on the minus strand). VCF-style: chr4-109746441-G-A. GRCh37 (hg19) VCF-style: chr4-110667597-G-A.
Other names: c.1234C>T, p.Leu412Phe (NM_001318057.2, NM_001375278.1); c.1189C>T, p.Leu397Phe (NM_001331035.2, NM_001375280.1, NM_001375282.1); c.1210C>T, p.Leu404Phe (NM_001375279.1, NM_001375281.1); c.1153C>T, p.Leu385Phe (NM_001375283.1); c.601C>T, p.Leu201Phe (NM_001375284.1); short protein forms L397F, L404F, L385F, L412F, L201F.
Identifiers: ClinVar variation 2091784 (VCV002091784.4), dbSNP rs2545376803, ClinGen allele CA357857543.

ClinVar aggregate classification (germline): Uncertain significance (1 of 4 stars; one submission).

Submission:

Labcorp Genetics (formerly Invitae), Labcorp
Classification: Uncertain significance. Last evaluated: 2022-08-22. Review status: criteria provided, single submitter. Criteria: Invitae Variant Classification Sherloc (09022015). Collection method: clinical testing. Allele origin: germline.
Comment: In summary, the available evidence is currently insufficient to determine the role of this variant in disease. Therefore, it has been classified as a Variant of Uncertain Significance. Advanced modeling of protein sequence and biophysical properties (such as structural, functional, and spatial information, amino acid conservation, physicochemical variation, residue mobility, and thermodynamic stability) performed at Invitae indicates that this missense variant is not expected to disrupt CFI protein function. This variant has not been reported in the literature in individuals affected with CFI-related conditions. This variant is not present in population databases (gnomAD no frequency). This sequence change replaces leucine, which is neutral and non-polar, with phenylalanine, which is neutral and non-polar, at codon 404 of the CFI protein (p.Leu404Phe).